The following is an entry in ClinVar:

ClinVar aggregate classification (germline): Pathogenic (0 of 4 stars; one submission).

Conditions:
Methylmalonic aciduria, cblB type (MACB). Also called: Vitamin B12-responsive methylmalonic acidemia type cblB; METHYLMALONIC ACIDURIA, VITAMIN B12-RESPONSIVE, DUE TO DEFECT IN SYNTHESIS OF ADENOSYLCOBALAMIN, cblB TYPE; Methylmalonic acidemia cblB type. Identifiers: Orphanet 28, Orphanet 79311, MedGen C1855102, MONDO:0009614, OMIM 251110.

Allele frequency attached by ClinVar (database versions not stated): gnomAD exomes below 0.00001.
gnomAD v4.1: 1 of 1,587,496 alleles (0.000063%); highest among the groups gnomAD compares: Middle Eastern, 0.017%; no homozygotes.

Submission:

Institute of Medical Genetics and Genomics, Sir Ganga Ram Hospital
Classification: Pathogenic for Methylmalonic aciduria, cblB type. Last evaluated: 2014-05-18. Review status: no assertion criteria provided. Collection method: research. Allele origin: germline. Affected: yes. Observed: 1 variant allele. Study: ORGANIC ACIDURIAS.
Comment: Mutation was checked in 100 normal control and was found pathogenic by polyphen2, panther, sift, mutation taster

Missense mutation

NM_052845.4(MMAB):c.563T>G (p.Val188Gly)

Gene: MMAB (metabolism of cobalamin associated B; minus strand). Cytogenetic location: 12q24.11.
Variant type: single nucleotide variant.
Coding change: c.563T>G on transcript NM_052845.4 (MANE Select); coding-DNA position 563, T replaced by G.
Protein change: p.Val188Gly; replaces valine 188 with glycine.
Molecular consequence: missense variant. On other transcripts: non-coding transcript variant (1).
Genome position (GRCh38, 1-based): chr12:109,561,061, A>C on the plus strand (T>G on the coding strand, the complement: MMAB is on the minus strand). VCF-style: chr12-109561061-A-C. GRCh37 (hg19) VCF-style: chr12-109998866-A-C.
Other names: short protein forms V188G.
Identifiers: ClinVar variation 225186 (VCV000225186.2), dbSNP rs869320654, ClinGen allele CA358789.
Genomic context (GRCh38, chr12:109,561,061, plus strand): 5'-CTCTCCCTTGGGCCCTCTCCCTCTCTCCAGCCCTCTTACCGTCTCTCGGCCCGGCGGCAC[A>C]CGGCCCGGCAGAAATGCAGCGCCGAGCTGATCTTGCCTCCCGACTGAAAGGAGAAAGGGA-3'
Protein context (NP_443077.1, residues 178-198): ISSALHFCRA[Val188Gly]CRRAERRVVP